The following is an entry in ClinVar:

ClinVar aggregate classification (germline): Uncertain significance (1 of 4 stars; one submission).

Conditions:
Inborn genetic diseases. Identifiers: MedGen C0950123, MeSH D030342.

Allele frequency attached by ClinVar (database versions not stated): gnomAD exomes below 0.00001.
gnomAD v4.1: 2 of 1,613,764 alleles (0.00012%); highest among the groups gnomAD compares: Non-Finnish European, 0.00017%; no homozygotes.

Submission:

Ambry Genetics
Classification: Uncertain significance for Inborn genetic diseases. Last evaluated: 2023-03-05. Review status: criteria provided, single submitter. Criteria: Ambry Variant Classification Scheme 2023. Collection method: clinical testing. Allele origin: germline.
Comment: The p.P1027L variant (also known as c.3080C>T), located in coding exon 23 of the LRRK2 gene, results from a C to T substitution at nucleotide position 3080. The proline at codon 1027 is replaced by leucine, an amino acid with similar properties. This amino acid position is conserved. In addition, the in silico prediction for this alteration is inconclusive. Since supporting evidence is limited at this time, the clinical significance of this alteration remains unclear.

NM_198578.4(LRRK2):c.3080C>T (p.Pro1027Leu)

Gene: LRRK2 (leucine rich repeat kinase 2; plus strand). Cytogenetic location: 12q12.
Variant type: single nucleotide variant.
Coding change: c.3080C>T on transcript NM_198578.4 (MANE Select); coding-DNA position 3080, C replaced by T.
Protein change: p.Pro1027Leu; replaces proline 1027 with leucine.
Molecular consequence: missense variant.
Genome position (GRCh38, 1-based): chr12:40,295,628, C>T. VCF-style: chr12-40295628-C-T. GRCh37 (hg19) VCF-style: chr12-40689430-C-T.
Other names: short protein forms P1027L.
Identifiers: ClinVar variation 2447260 (VCV002447260.2), dbSNP rs2136721244, ClinGen allele CA384413126.